The following is an entry in ClinVar:

ClinVar aggregate classification (germline): Uncertain significance. Review status: criteria provided, multiple submitters, no conflicts (2 of 4 stars). 2 submissions from 2 submitters: Uncertain significance (2). Last evaluated 2025-06-22.

Conditions:
Inborn genetic diseases. Identifiers: MedGen C0950123, MeSH D030342.
Mosaic variegated aneuploidy syndrome 2 (MVA2). Identifiers: Orphanet 1052, MedGen C3279843, MONDO:0013582, OMIM 614114.

gnomAD v4.1: 1 of 1,613,650 alleles (0.000062%); no homozygotes.

Submissions (2):

Labcorp Genetics (formerly Invitae), Labcorp
Classification: Uncertain significance for Mosaic variegated aneuploidy syndrome 2. Last evaluated: 2025-06-22. Review status: criteria provided, single submitter. Criteria: Invitae Variant Classification Sherloc (09022015). Collection method: clinical testing. Allele origin: germline.
Comment: This sequence change replaces methionine, which is neutral and non-polar, with leucine, which is neutral and non-polar, at codon 484 of the CEP57 protein (p.Met484Leu). This variant is not present in population databases (gnomAD no frequency). This variant has not been reported in the literature in individuals affected with CEP57-related conditions. ClinVar contains an entry for this variant (Variation ID: 580409). Invitae Evidence Modeling of protein sequence and biophysical properties (such as structural, functional, and spatial information, amino acid conservation, physicochemical variation, residue mobility, and thermodynamic stability) indicates that this missense variant is not expected to disrupt CEP57 protein function with a negative predictive value of 80%. In summary, the available evidence is currently insufficient to determine the role of this variant in disease. Therefore, it has been classified as a Variant of Uncertain Significance.

Ambry Genetics
Classification: Uncertain significance for Inborn genetic diseases. Last evaluated: 2024-11-18. Review status: criteria provided, single submitter. Criteria: Ambry Variant Classification Scheme 2023. Collection method: clinical testing. Allele origin: germline.
Comment: The p.M484L variant (also known as c.1450A>C), located in coding exon 11 of the CEP57 gene, results from an A to C substitution at nucleotide position 1450. The methionine at codon 484 is replaced by leucine, an amino acid with highly similar properties. This amino acid position is conserved. In addition, the in silico prediction for this alteration is inconclusive. Based on the available evidence, the clinical significance of this variant remains unclear.

NM_014679.5(CEP57):c.1450A>C (p.Met484Leu)

Gene: CEP57 (centrosomal protein 57; plus strand). Cytogenetic location: 11q21.
Variant type: single nucleotide variant.
Coding change: c.1450A>C on transcript NM_014679.5 (MANE Select); coding-DNA position 1450, A replaced by C.
Protein change: p.Met484Leu; replaces methionine 484 with leucine.
Molecular consequence: missense variant.
Genome position (GRCh38, 1-based): chr11:95,831,203, A>C. VCF-style: chr11-95831203-A-C. GRCh37 (hg19) VCF-style: chr11-95564367-A-C.
Other names: c.1423A>C, p.Met475Leu (NM_001243776.2); c.1372A>C, p.Met458Leu (NM_001243777.2); c.1369A>C, p.Met457Leu (NM_001363604.2); short protein forms M484L, M458L, M475L, M457L.
Identifiers: ClinVar variation 580409 (VCV000580409.9), dbSNP rs930693151, ClinGen allele CA226588404.